The following is an entry in ClinVar:

NM_001040108.2(MLH3):c.*1347T>G

Gene: MLH3 (mutL homolog 3; minus strand). Cytogenetic location: 14q24.3.
Variant type: single nucleotide variant.
Coding change: c.*1347T>G on transcript NM_001040108.2 (MANE Select); 1347 bases downstream of the stop codon, T replaced by G.
Molecular consequence: 3 prime UTR variant.
Genome position (GRCh38, 1-based): chr14:75,015,735, A>C on the plus strand (T>G on the coding strand, the complement: MLH3 is on the minus strand). VCF-style: chr14-75015735-A-C. GRCh37 (hg19) VCF-style: chr14-75482438-A-C.
Other names: c.*1347T>G (NM_014381.3).
Identifiers: ClinVar variation 314360 (VCV000314360.5), dbSNP rs539246160, ClinGen allele CA10640973.

ClinVar aggregate classification (germline): Likely benign (1 of 4 stars; one submission).

Conditions:
Colorectal cancer, hereditary nonpolyposis, type 7. Identifiers: Orphanet 144, MedGen C1858380, MONDO:0013725, OMIM 614385.

Allele frequency attached by ClinVar (database versions not stated): gnomAD 0.00001; 1000 Genomes Project 0.00060.
gnomAD v4.1: 1 of 194,726 alleles (0.00051%); highest among the groups gnomAD compares: South Asian, 0.023%; no homozygotes.

Submission:

Illumina Laboratory Services, Illumina
Classification: Likely benign for Colorectal cancer, hereditary nonpolyposis, type 7. Last evaluated: 2018-01-12. Review status: criteria provided, single submitter. Criteria: ICSL Variant Classification Criteria 13 December 2019. Collection method: clinical testing. Allele origin: germline.
Comment: This variant was observed in the ICSL laboratory as part of a predisposition screen in an ostensibly healthy population. It had not been previously curated by ICSL or reported in the Human Gene Mutation Database (HGMD: prior to June 1st, 2018), and was therefore a candidate for classification through an automated scoring system. Utilizing variant allele frequency, disease prevalence and penetrance estimates, and inheritance mode, an automated score was calculated to assess if this variant is too frequent to cause the disease. Based on the score and internal cut-off values, a variant classified as likely benign is not then subjected to further curation. The score for this variant resulted in a classification of likely benign for this disease.